The following is an entry in ClinVar:

ClinVar aggregate classification (germline): Conflicting classifications of pathogenicity. Review status: criteria provided, conflicting classifications (1 of 4 stars). 2 submissions from 2 submitters: Likely pathogenic (1); Uncertain significance (1). Last evaluated 2025-10-14.

Conditions:
Multiple mitochondrial dysfunctions syndrome 3 (MMDS3). Identifiers: Orphanet 363424, MedGen C3809165, MONDO:0014132, OMIM 615330.
Hereditary spastic paraplegia 74. Also called: Spastic paraplegia 74, autosomal recessive. Identifiers: Orphanet 468661, MedGen C5568837, MONDO:0014644, OMIM 616451.

Allele frequency attached by ClinVar (database versions not stated): gnomAD 0.00001; gnomAD exomes 0.00001; ExAC 0.00010.
gnomAD v4.1: 32 of 1,500,946 alleles (0.0021%); highest among the groups gnomAD compares: Non-Finnish European, 0.0028%; no homozygotes.

Submissions (2):

GeneDx
Classification: Likely pathogenic. Last evaluated: 2025-10-14. Review status: criteria provided, single submitter. Criteria: GeneDx Variant Classification Process June 2021. Collection method: clinical testing. Allele origin: germline.
Comment: Identified in a patient with psychomotor regression, hypotonia, episodes of general hypertonia, pyramidal syndrome, and periventricular leukodystrophy in published literature (PMID: 28803783); Not observed at significant frequency in large population cohorts (gnomAD); In silico analysis supports that this missense variant has a deleterious effect on protein structure/function; In silico analysis supports a deleterious effect on splicing; This variant is associated with the following publications: (PMID: 28803783)

Labcorp Genetics (formerly Invitae), Labcorp
Classification: Uncertain significance for Multiple mitochondrial dysfunctions syndrome 3; Hereditary spastic paraplegia 74. Last evaluated: 2017-10-03. Review status: criteria provided, single submitter. Criteria: Invitae Variant Classification Sherloc (09022015). Collection method: clinical testing. Allele origin: germline.
Comment: This sequence change replaces leucine with tryptophan at codon 112 of the IBA57 protein (p.Leu112Trp). The leucine residue is moderately conserved and there is a small physicochemical difference between leucine and tryptophan. While this variant is present in population databases (rs775646159), the frequency information is unreliable, as metrics indicate poor data quality at this position in the ExAC database. This variant has not been reported in the literature in individuals with IBA57-related disease. Algorithms developed to predict the effect of missense changes on protein structure and function do not agree on the potential impact of this missense change (SIFT: "Deleterious"; PolyPhen-2: "Probably Damaging"; Align-GVGD: "Class C0"). Algorithms developed to predict the effect of sequence changes on RNA splicing suggest that this variant may create or strengthen a splice site, but this prediction has not been confirmed by published transcriptional studies. In summary, the available evidence is currently insufficient to determine the role of this variant in disease. Therefore, it has been classified as a Variant of Uncertain Significance.

NM_001010867.4(IBA57):c.335T>G (p.Leu112Trp)

Gene: IBA57 (iron-sulfur cluster assembly factor IBA57; plus strand). Cytogenetic location: 1q42.13.
Variant type: single nucleotide variant.
Coding change: c.335T>G on transcript NM_001010867.4 (MANE Select); coding-DNA position 335, T replaced by G.
Protein change: p.Leu112Trp; replaces leucine 112 with tryptophan.
Molecular consequence: missense variant.
Genome position (GRCh38, 1-based): chr1:228,166,151, T>G. VCF-style: chr1-228166151-T-G. GRCh37 (hg19) VCF-style: chr1-228353852-T-G.
Other names: c.335T>G (NM_001010867.2); short protein forms L112W.
Identifiers: ClinVar variation 541311 (VCV000541311.10), dbSNP rs775646159, ClinGen allele CA1431107.